The following is an entry in ClinVar:

ClinVar aggregate classification (germline): Conflicting classifications of pathogenicity. Review status: criteria provided, conflicting classifications (1 of 4 stars). 5 submissions from 2 submitters: Uncertain significance (4); Benign (1). Last evaluated 2023-06-01.

Conditions:
Autosomal dominant keratitis. Also called: Keratitis, hereditary. Identifiers: Orphanet 2334, MedGen C1835698, MONDO:0007848, OMIM 148190.
Anophthalmia-microphthalmia syndrome. Also called: Anophthalmia/Microphthalmia; Anophthalmia - microphthalmia. Identifiers: Orphanet 98555, MedGen C5680330, MONDO:0020147.
Foveal hypoplasia 1. Also called: FOVEAL HYPOPLASIA 1 WITH OR WITHOUT ANTERIOR SEGMENT ANOMALIES AND/OR CATARACT; FOVEAL HYPOPLASIA 1 WITH ANTERIOR SEGMENT ANOMALIES. Identifiers: Orphanet 2253, MedGen C3805604, MONDO:0007628, OMIM 136520.
carboxymethyl-dextran-A2-gadolinium-DOTA.

Allele frequency attached by ClinVar (database versions not stated): TOPMed 0.00782; gnomAD 0.00925 and 0.00945.
gnomAD v4.1: 5,772 of 261,028 alleles (2.2%); highest among the groups gnomAD compares: Non-Finnish European, 3.1%; 11 homozygotes.

Submissions (7):

CeGaT Center for Human Genetics Tuebingen
Classification: Benign. Last evaluated: 2023-06-01. Review status: criteria provided, single submitter. Criteria: CeGaT Center For Human Genetics Tuebingen Variant Classification Criteria Version 2. Collection method: clinical testing. Allele origin: germline. Affected: yes. Observed: 9 variant alleles.
Comment: ELP4: BS1, BS2; PAX6: BS1, BS2

Illumina Laboratory Services, Illumina
Classification: Uncertain significance for Anophthalmia-microphthalmia syndrome. Last evaluated: 2018-01-12. Review status: criteria provided, single submitter. Criteria: ICSL Variant Classification Criteria 13 December 2019. Collection method: clinical testing. Allele origin: germline.

Illumina Laboratory Services, Illumina
Classification: Uncertain significance for Autosomal dominant keratitis. Last evaluated: 2018-01-12. Review status: criteria provided, single submitter. Criteria: ICSL Variant Classification Criteria 13 December 2019. Collection method: clinical testing. Allele origin: germline.

Illumina Laboratory Services, Illumina
Classification: Uncertain significance for carboxymethyl-dextran-A2-gadolinium-DOTA. Last evaluated: 2018-01-12. Review status: criteria provided, single submitter. Criteria: ICSL Variant Classification Criteria 13 December 2019. Collection method: clinical testing. Allele origin: germline.

Illumina Laboratory Services, Illumina
Classification: Uncertain significance for Foveal hypoplasia 1. Last evaluated: 2018-01-12. Review status: criteria provided, single submitter. Criteria: ICSL Variant Classification Criteria 13 December 2019. Collection method: clinical testing. Allele origin: germline.

Dr. Peter K. Rogan Lab, Western University
No classification provided (evidence only). Condition: Acute myeloid leukemia. Review status: no classification provided. Collection method: in vitro. Allele origin: not applicable. Functional consequence: retained intron. Not counted in ClinVar's aggregate classification.

Dr. Peter K. Rogan Lab, Western University
No classification provided (evidence only). Condition: Thymoma. Review status: no classification provided. Collection method: in vitro. Allele origin: not applicable. Functional consequence: retained intron. Not counted in ClinVar's aggregate classification.

NM_001368894.2(PAX6):c.*356T>A

Genes: ELP4 (elongator acetyltransferase complex subunit 4; plus strand), PAX6 (paired box 6; minus strand). Cytogenetic location: 11p13.
Variant type: single nucleotide variant.
Coding change: c.*356T>A on transcript NM_001368894.2 (MANE Select); 356 bases downstream of the stop codon, T replaced by A.
Molecular consequence: 3 prime UTR variant. On other transcripts: non-coding transcript variant (2).
Genome position (GRCh38, 1-based): chr11:31,789,578, A>T on the plus strand (T>A on the coding strand, the complement: PAX6 is on the minus strand). VCF-style: chr11-31789578-A-T. GRCh37 (hg19) VCF-style: chr11-31811126-A-T.
Other names: NC_000011.9:g.31811126A>T; c.*6040A>T (NM_001288725.2); c.*6149A>T (NM_001288726.2); c.*6054A>T (NM_019040.5); c.*356T>A (NM_000280.6, NM_001127612.3, NM_001258462.3 and 37 more transcripts); c.*52T>A (NM_001368911.2, NM_001368912.2, NM_001368913.2 and 6 more transcripts).
Identifiers: ClinVar variation 304350 (VCV000304350.35), dbSNP rs774392481, ClinGen allele CA10634600.
Genomic context (GRCh38, chr11:31,789,578, plus strand): 5'-ATATATCTTGATAAAACTCTTAAATTCGTGGCAAAGCTTGTTGATCATGGTTTTCTTTTT[A>T]AAAAAAAAAAAAACAACTTCATGACCAACACAGATCAAACATCCATCCAGTCTACATTGT-3'